The following is an entry in ClinVar:

ClinVar aggregate classification (germline): Uncertain significance. Review status: criteria provided, multiple submitters, no conflicts (2 of 4 stars). 3 submissions from 3 submitters: Uncertain significance (3). Last evaluated 2025-10-17.

Conditions:
Renal hypodysplasia/aplasia 1 (RHDA1). Also called: HEREDITARY RENAL APLASIA; RENAL APLASIA. Identifiers: Orphanet 411709, MedGen C1619700, MONDO:0024519, OMIM 191830.
Inborn genetic diseases. Identifiers: MedGen C0950123, MeSH D030342.

Allele frequency attached by ClinVar (database versions not stated): gnomAD exomes 0.00001 and 0.00005; ExAC 0.00008; gnomAD 0.00008 and 0.00011; TOPMed 0.00014; 1000 Genomes Project 0.00020; 1000 Genomes Project 30x 0.00031; ESP Exome Variant Server 0.00031.
gnomAD v4.1: 34 of 1,613,702 alleles (0.0021%); highest among the groups gnomAD compares: African/African-American, 0.041%; no homozygotes.

Submissions (3):

Mayo Clinic Laboratories, Mayo Clinic
Classification: Uncertain significance. Last evaluated: 2025-10-17. Review status: criteria provided, single submitter. Criteria: ACMG Guidelines, 2015. Collection method: clinical testing. Allele origin: germline. Observed: 1 variant allele.
Comment: BP4

Ambry Genetics
Classification: Uncertain significance for Inborn genetic diseases. Last evaluated: 2024-08-07. Review status: criteria provided, single submitter. Criteria: Ambry Variant Classification Scheme 2023. Collection method: clinical testing. Allele origin: germline.

Baylor Genetics
Classification: Uncertain significance for Renal hypodysplasia/aplasia 1. Last evaluated: 2018-08-22. Review status: criteria provided, single submitter. Criteria: ACMG Guidelines, 2015. Collection method: clinical testing. Allele origin: maternal. Affected: yes.
Comment: This variant was determined to be of uncertain significance according to ACMG Guidelines, 2015 [PMID:25741868].

Literature cited by the submitters: PubMed 35368817 (cited by Mayo Clinic Laboratories, Mayo Clinic).

NM_003638.3(ITGA8):c.1156T>C (p.Phe386Leu)

Gene: ITGA8 (integrin subunit alpha 8; minus strand). Cytogenetic location: 10p13.
Variant type: single nucleotide variant.
Coding change: c.1156T>C on transcript NM_003638.3 (MANE Select); coding-DNA position 1156, T replaced by C.
Protein change: p.Phe386Leu; replaces phenylalanine 386 with leucine.
Molecular consequence: missense variant.
Genome position (GRCh38, 1-based): chr10:15,646,897, A>G on the plus strand (T>C on the coding strand, the complement: ITGA8 is on the minus strand). VCF-style: chr10-15646897-A-G. GRCh37 (hg19) VCF-style: chr10-15688896-A-G.
Other names: p.Phe386Leu; c.1111T>C, p.Phe371Leu (NM_001291494.2); short protein forms F386L, F371L.
Identifiers: ClinVar variation 1032141 (VCV001032141.4), dbSNP rs147384918, ClinGen allele CA5420344.